The following is an entry in ClinVar:

ClinVar aggregate classification (germline): Likely pathogenic (1 of 4 stars; one submission).

Submission:

GeneDx
Classification: Likely pathogenic. Last evaluated: 2025-07-24. Review status: criteria provided, single submitter. Criteria: GeneDx Variant Classification Process June 2021. Collection method: clinical testing. Allele origin: germline. Affected: yes.
Comment: Canonical splice site variant in a gene for which loss-of-function is a known mechanism of disease; Not observed in large population cohorts (gnomAD); This variant is associated with the following publications: (PMID: 34328347)

NM_001379200.1(TBX1):c.935+1G>A

Gene: TBX1 (T-box transcription factor 1; plus strand). Cytogenetic location: 22q11.21.
Variant type: single nucleotide variant.
Coding change: c.935+1G>A on transcript NM_001379200.1 (MANE Select); the canonical splice donor site of the intron after coding-DNA position 935, G replaced by A.
Molecular consequence: splice donor variant.
Genome position (GRCh38, 1-based): chr22:19,765,826, G>A. VCF-style: chr22-19765826-G-A. GRCh37 (hg19) VCF-style: chr22-19753349-G-A.
Other names: c.908+1G>A (NM_005992.1, NM_080646.2, NM_080647.1).
Identifiers: ClinVar variation 4686752 (VCV004686752.1).